The following is an entry in ClinVar:

NM_001128225.3(SLC39A13):c.850C>G (p.Leu284Val)

Gene: SLC39A13 (solute carrier family 39 member 13; plus strand). Cytogenetic location: 11p11.2.
Variant type: single nucleotide variant.
Coding change: c.850C>G on transcript NM_001128225.3 (MANE Select); coding-DNA position 850, C replaced by G.
Protein change: p.Leu284Val; replaces leucine 284 with valine.
Molecular consequence: missense variant. On other transcripts: non-coding transcript variant (1).
Genome position (GRCh38, 1-based): chr11:47,414,840, C>G. VCF-style: chr11-47414840-C-G. GRCh37 (hg19) VCF-style: chr11-47436391-C-G.
Other names: c.850C>G, p.Leu284Val (NM_001330245.2, NM_152264.5); short protein forms L284V.
Identifiers: ClinVar variation 1436648 (VCV001436648.6), dbSNP rs1300393650, ClinGen allele CA380314298.

ClinVar aggregate classification (germline): Uncertain significance (1 of 4 stars; one submission).

Conditions:
Ehlers-Danlos syndrome, spondylodysplastic type, 3. Also called: Ehlers-Danlos syndrome, spondylocheirodysplastic type. Identifiers: Orphanet 157965, MedGen C2676510, MONDO:0012873, OMIM 612350.

Allele frequency attached by ClinVar (database versions not stated): gnomAD exomes below 0.00001; gnomAD 0.00001; TOPMed 0.00001.
gnomAD v4.1: 2 of 1,612,510 alleles (0.00012%); highest among the groups gnomAD compares: Non-Finnish European, 0.00017%; no homozygotes.

Submission:

Labcorp Genetics (formerly Invitae), Labcorp
Classification: Uncertain significance for Ehlers-Danlos syndrome, spondylodysplastic type, 3. Last evaluated: 2020-11-11. Review status: criteria provided, single submitter. Criteria: Invitae Variant Classification Sherloc (09022015). Collection method: clinical testing. Allele origin: germline.
Comment: This sequence change replaces leucine with valine at codon 284 of the SLC39A13 protein (p.Leu284Val). The leucine residue is moderately conserved and there is a small physicochemical difference between leucine and valine. This variant is not present in population databases (ExAC no frequency). In summary, the available evidence is currently insufficient to determine the role of this variant in disease. Therefore, it has been classified as a Variant of Uncertain Significance. Algorithms developed to predict the effect of missense changes on protein structure and function (SIFT, PolyPhen-2, Align-GVGD) all suggest that this variant is likely to be tolerated, but these predictions have not been confirmed by published functional studies and their clinical significance is uncertain. This variant has not been reported in the literature in individuals with SLC39A13-related conditions.